The following is an entry in ClinVar:

NM_181486.4(TBX5):c.610C>A (p.His204Asn)

Gene: TBX5 (T-box transcription factor 5; minus strand). Cytogenetic location: 12q24.21.
Variant type: single nucleotide variant.
Coding change: c.610C>A on transcript NM_181486.4 (MANE Select); coding-DNA position 610, C replaced by A.
Protein change: p.His204Asn; replaces histidine 204 with asparagine.
Molecular consequence: missense variant.
Genome position (GRCh38, 1-based): chr12:114,394,794, G>T on the plus strand (C>A on the coding strand, the complement: TBX5 is on the minus strand). VCF-style: chr12-114394794-G-T. GRCh37 (hg19) VCF-style: chr12-114832599-G-T.
Other names: c.610C>A, p.His204Asn (NM_000192.3); c.460C>A, p.His154Asn (NM_080717.4); short protein forms H204N, H154N.
Identifiers: ClinVar variation 1751661 (VCV001751661.2), dbSNP rs763004247, ClinGen allele CA386861397.
Genomic context (GRCh38, chr12:114,394,794, plus strand): 5'-GGCTTACCTTGTGGTTCTGGTAGGAAGTCACTGCTATAAACGCAGTCTCAGGAAAGACGT[G>T]AGTGCAGAACGCTGTATTTTTTGAGCCAAATCCATTATTTTCATCCGCTTTCACGATGTG-3'
Protein context (NP_852259.1, residues 194-214): FGSKNTAFCT[His204Asn]VFPETAFIAV

ClinVar aggregate classification (germline): Uncertain significance (1 of 4 stars; one submission).

Conditions:
Cardiovascular phenotype. Identifiers: MedGen CN230736.

Submission:

Ambry Genetics
Classification: Uncertain significance for Cardiovascular phenotype. Last evaluated: 2022-09-02. Review status: criteria provided, single submitter. Criteria: Ambry Variant Classification Scheme 2023. Collection method: clinical testing. Allele origin: germline.
Comment: The p.H204N variant (also known as c.610C>A), located in coding exon 5 of the TBX5 gene, results from a C to A substitution at nucleotide position 610. The histidine at codon 204 is replaced by asparagine, an amino acid with similar properties. This amino acid position is conserved. In addition, the in silico prediction for this alteration is inconclusive. Since supporting evidence is limited at this time, the clinical significance of this alteration remains unclear.